The following is an entry in ClinVar:

NM_006180.6(NTRK2):c.1444+3A>G

Gene: NTRK2 (neurotrophic receptor tyrosine kinase 2; plus strand). Cytogenetic location: 9q21.33.
Variant type: single nucleotide variant.
Coding change: c.1444+3A>G on transcript NM_006180.6 (MANE Select); 3 bases into the intron after coding-DNA position 1444, A replaced by G.
Molecular consequence: intron variant.
Genome position (GRCh38, 1-based): chr9:84,861,090, A>G. VCF-style: chr9-84861090-A-G. GRCh37 (hg19) VCF-style: chr9-87476005-A-G.
Other names: c.1397-6153A>G (NM_001369532.1, NM_001369533.1, NM_001018066.3 and 2 more transcripts); c.1444+3A>G (NM_001369537.1, NM_001018065.2); c.1361-6153A>G (NM_001369534.1); c.976+3A>G (NM_001369536.1); c.929-6153A>G (NM_001369535.1).
Identifiers: ClinVar variation 2188111 (VCV002188111.4), dbSNP rs544481153, ClinGen allele CA5105760.

ClinVar aggregate classification (germline): Uncertain significance (1 of 4 stars; one submission).

Allele frequency attached by ClinVar (database versions not stated): gnomAD exomes below 0.00001; TOPMed below 0.00001; ExAC 0.00001; gnomAD 0.00001; 1000 Genomes Project 30x 0.00016; 1000 Genomes Project 0.00020.
gnomAD v4.1: 2 of 1,610,700 alleles (0.00012%); highest among the groups gnomAD compares: South Asian, 0.0022%; no homozygotes.

Submission:

Labcorp Genetics (formerly Invitae), Labcorp
Classification: Uncertain significance. Last evaluated: 2023-10-28. Review status: criteria provided, single submitter. Criteria: Invitae Variant Classification Sherloc (09022015). Collection method: clinical testing. Allele origin: germline.
Comment: This sequence change falls in intron 15 of the NTRK2 gene. It does not directly change the encoded amino acid sequence of the NTRK2 protein. It affects a nucleotide within the consensus splice site. This variant is present in population databases (rs544481153, gnomAD 0.003%). This variant has not been reported in the literature in individuals affected with NTRK2-related conditions. ClinVar contains an entry for this variant (Variation ID: 2188111). Variants that disrupt the consensus splice site are a relatively common cause of aberrant splicing (PMID: 17576681, 9536098). Algorithms developed to predict the effect of sequence changes on RNA splicing suggest that this variant is not likely to affect RNA splicing. In summary, the available evidence is currently insufficient to determine the role of this variant in disease. Therefore, it has been classified as a Variant of Uncertain Significance.

Literature cited by the submitters: PubMed 17576681; PubMed 9536098.